The following is an entry in ClinVar:

NM_003482.4(KMT2D):c.13465G>A (p.Gly4489Arg)

Gene: KMT2D (lysine methyltransferase 2D; minus strand). Cytogenetic location: 12q13.12.
Variant type: single nucleotide variant.
Coding change: c.13465G>A on transcript NM_003482.4 (MANE Select); coding-DNA position 13465, G replaced by A.
Protein change: p.Gly4489Arg; replaces glycine 4489 with arginine.
Molecular consequence: missense variant.
Genome position (GRCh38, 1-based): chr12:49,031,240, C>T on the plus strand (G>A on the coding strand, the complement: KMT2D is on the minus strand). VCF-style: chr12-49031240-C-T. GRCh37 (hg19) VCF-style: chr12-49425023-C-T.
Other names: short protein forms G4489R.
Identifiers: ClinVar variation 447666 (VCV000447666.8), dbSNP rs200574556, ClinGen allele CA6546016.

ClinVar aggregate classification (germline): Conflicting classifications of pathogenicity. Review status: criteria provided, conflicting classifications (1 of 4 stars). 3 submissions from 3 submitters: Uncertain significance (1); Likely benign (2). Last evaluated 2025-05-22.

Conditions:
KMT2D-related disorder. Also called: KMT2D-Related Disorders.
Kabuki syndrome. Also called: NIIKAWA-KUROKI SYNDROME; Kabuki make-up syndrome. Identifiers: Orphanet 2322, MedGen C0796004, MONDO:0016512.

Allele frequency attached by ClinVar (database versions not stated): gnomAD exomes 0.00002; TOPMed 0.00003; ExAC 0.00004; gnomAD 0.00009; 1000 Genomes Project 0.00020; 1000 Genomes Project 30x 0.00031.
gnomAD v4.1: 38 of 1,612,986 alleles (0.0024%); highest among the groups gnomAD compares: Admixed American, 0.028%; no homozygotes.

Submissions (3):

Labcorp Genetics (formerly Invitae), Labcorp
Classification: Likely benign for Kabuki syndrome. Last evaluated: 2025-05-22. Review status: criteria provided, single submitter. Criteria: Invitae Variant Classification Sherloc (09022015). Collection method: clinical testing. Allele origin: germline.

PreventionGenetics, part of Exact Sciences
Classification: Likely benign for KMT2D-related condition. Last evaluated: 2024-10-21. Review status: criteria provided, single submitter. Criteria: ACMG Guidelines, 2015. Collection method: clinical testing. Allele origin: germline.
Comment: This variant is classified as likely benign based on ACMG/AMP sequence variant interpretation guidelines (Richards et al. 2015 PMID: 25741868, with internal and published modifications).

Athena Diagnostics
Classification: Uncertain significance. Last evaluated: 2017-03-28. Review status: criteria provided, single submitter. Criteria: Athena Diagnostics Criteria. Collection method: clinical testing. Allele origin: germline.